The following is an entry in ClinVar:

ClinVar aggregate classification (germline): Pathogenic. Review status: criteria provided, single submitter (1 of 4 stars). 2 submissions from 2 submitters: Pathogenic (1). 1 of the submissions does not count toward it. Last evaluated 2024-02-24.

Conditions:
Charlevoix-Saguenay spastic ataxia (SACS). Also called: Spastic ataxia of Charlevoix-Saguenay; SPASTIC ATAXIA 6, AUTOSOMAL RECESSIVE; AUTOSOMAL RECESSIVE SPASTIC ATAXIA OF CHARLEVOIX-SAGUENAY. Identifiers: Orphanet 98, MedGen C1849140, MONDO:0010041, OMIM 270550.

Submissions (2):

Baylor Genetics
Classification: Pathogenic for Charlevoix-Saguenay spastic ataxia. Last evaluated: 2024-02-24. Review status: criteria provided, single submitter. Criteria: ACMG Guidelines, 2015. Collection method: clinical testing. Allele origin: unknown.

ClinVar Staff, National Center for Biotechnology Information (NCBI)
No classification provided. Review status: no classification provided. Collection method: not provided. Allele origin: germline. Not counted in ClinVar's aggregate classification.

NM_014363.6(SACS):c.5263_5264del (p.Lys1755fs)

Gene: SACS (sacsin molecular chaperone; minus strand). Cytogenetic location: 13q12.12.
Variant type: Deletion.
Coding change: c.5263_5264del on transcript NM_014363.6 (MANE Select); coding-DNA positions 5263 to 5264, 2 bases deleted (AA; older notation c.5263_5264delAA).
Protein change: p.Lys1755fs; shifts the reading frame from lysine 1755.
Molecular consequence: frameshift variant.
Genome position (GRCh38, 1-based): chr13:23,338,612-23,338,613, TT deleted on the plus strand (AA on the coding strand, the reverse complement: SACS is on the minus strand); deleting any 2 consecutive bases within chr13:23,338,612-23,338,614 gives the same sequence; the c. name uses the placement nearest the transcript's 3' end. VCF-style (leftmost placement, unchanged base first): chr13-23338611-CTT-C. GRCh37 (hg19) VCF-style: chr13-23912750-CTT-C.
Other names: c.4822_4823del, p.Lys1608fs (NM_001278055.2); short protein forms K1755fs, K1608fs.
Identifiers: ClinVar variation 156344 (VCV000156344.2), dbSNP rs199474696, ClinGen allele CA233204.